The following is an entry in ClinVar:

ClinVar aggregate classification (germline): Uncertain significance (1 of 4 stars; one submission).

Allele frequency attached by ClinVar (database versions not stated): gnomAD exomes below 0.00001; ExAC 0.00001.
gnomAD v4.1: 2 of 1,078,408 alleles (0.00019%); highest among the groups gnomAD compares: Non-Finnish European, 0.00023%; no homozygotes.

Submission:

GeneDx
Classification: Uncertain significance. Last evaluated: 2023-06-27. Review status: criteria provided, single submitter. Criteria: GeneDx Variant Classification Process June 2021. Collection method: clinical testing. Allele origin: germline. Affected: yes.
Comment: In silico analysis supports that this missense variant does not alter protein structure/function; Has not been previously published as pathogenic or benign to our knowledge

NM_007118.4(TRIO):c.6883G>A (p.Gly2295Ser)

Gene: TRIO (trio Rho guanine nucleotide exchange factor; plus strand). Cytogenetic location: 5p15.2.
Variant type: single nucleotide variant.
Coding change: c.6883G>A on transcript NM_007118.4 (MANE Select); coding-DNA position 6883, G replaced by A.
Protein change: p.Gly2295Ser; replaces glycine 2295 with serine.
Molecular consequence: missense variant. On other transcripts: non-coding transcript variant (1).
Genome position (GRCh38, 1-based): chr5:14,487,511, G>A. VCF-style: chr5-14487511-G-A. GRCh37 (hg19) VCF-style: chr5-14487620-G-A.
Other names: short protein forms G2295S.
Identifiers: ClinVar variation 3252207 (VCV003252207.1), dbSNP rs768043316.